The following is an entry in ClinVar:

NM_004958.4(MTOR):c.2701G>C (p.Val901Leu)

Gene: MTOR (mechanistic target of rapamycin kinase; minus strand). Cytogenetic location: 1p36.22.
Variant type: single nucleotide variant.
Coding change: c.2701G>C on transcript NM_004958.4 (MANE Select); coding-DNA position 2701, G replaced by C.
Protein change: p.Val901Leu; replaces valine 901 with leucine.
Molecular consequence: missense variant.
Genome position (GRCh38, 1-based): chr1:11,231,003, C>G on the plus strand (G>C on the coding strand, the complement: MTOR is on the minus strand). VCF-style: chr1-11231003-C-G. GRCh37 (hg19) VCF-style: chr1-11291060-C-G.
Other names: c.2701G>C, p.Val901Leu (NM_001386500.1); c.1453G>C, p.Val485Leu (NM_001386501.1); short protein forms V485L, V901L.
Identifiers: ClinVar variation 3633497 (VCV003633497.2).

ClinVar aggregate classification (germline): Uncertain significance (1 of 4 stars; one submission).

gnomAD v4.1: 1 of 1,614,166 alleles (0.000062%); highest among the groups gnomAD compares: Non-Finnish European, 0.000085%; no homozygotes.

Submission:

Labcorp Genetics (formerly Invitae), Labcorp
Classification: Uncertain significance. Last evaluated: 2024-12-07. Review status: criteria provided, single submitter. Criteria: Invitae Variant Classification Sherloc (09022015). Collection method: clinical testing. Allele origin: germline.
Comment: This sequence change replaces valine, which is neutral and non-polar, with leucine, which is neutral and non-polar, at codon 901 of the MTOR protein (p.Val901Leu). This variant is not present in population databases (gnomAD no frequency). This variant has not been reported in the literature in individuals affected with MTOR-related conditions. Invitae Evidence Modeling of protein sequence and biophysical properties (such as structural, functional, and spatial information, amino acid conservation, physicochemical variation, residue mobility, and thermodynamic stability) indicates that this missense variant is not expected to disrupt MTOR protein function with a negative predictive value of 95%. In summary, the available evidence is currently insufficient to determine the role of this variant in disease. Therefore, it has been classified as a Variant of Uncertain Significance.